The following is an entry in ClinVar:

ClinVar aggregate classification (germline): Uncertain significance (1 of 4 stars; one submission).

Conditions:
Familial adenomatous polyposis 1 (FAP1). Also called: POLYPOSIS, ADENOMATOUS INTESTINAL; FAMILIAL ADENOMATOUS POLYPOSIS 1, ATTENUATED. Identifiers: MedGen C2713442, MONDO:0021056, OMIM 175100. Disease mechanism: loss of function.

Submission:

Labcorp Genetics (formerly Invitae), Labcorp
Classification: Uncertain significance for Familial adenomatous polyposis 1. Last evaluated: 2023-01-08. Review status: criteria provided, single submitter. Criteria: Invitae Variant Classification Sherloc (09022015). Collection method: clinical testing. Allele origin: germline.
Comment: Advanced modeling of protein sequence and biophysical properties (such as structural, functional, and spatial information, amino acid conservation, physicochemical variation, residue mobility, and thermodynamic stability) performed at Invitae indicates that this missense variant is not expected to disrupt APC protein function. This variant has not been reported in the literature in individuals affected with APC-related conditions. This variant is not present in population databases (gnomAD no frequency). This sequence change replaces leucine, which is neutral and non-polar, with serine, which is neutral and polar, at codon 508 of the APC protein (p.Leu508Ser). In summary, the available evidence is currently insufficient to determine the role of this variant in disease. Therefore, it has been classified as a Variant of Uncertain Significance.

NM_000038.6(APC):c.1523T>C (p.Leu508Ser)

Gene: APC (APC regulator of Wnt signaling pathway; plus strand). Cytogenetic location: 5q22.2.
Variant type: single nucleotide variant.
Coding change: c.1523T>C on transcript NM_000038.6 (MANE Select); coding-DNA position 1523, T replaced by C.
Protein change: p.Leu508Ser; replaces leucine 508 with serine.
Molecular consequence: missense variant.
Genome position (GRCh38, 1-based): chr5:112,827,222, T>C. VCF-style: chr5-112827222-T-C. GRCh37 (hg19) VCF-style: chr5-112162919-T-C.
Other names: c.1523T>C, p.Leu508Ser (NM_001354895.2, NM_001407450.1, NM_001127510.3); c.1577T>C, p.Leu526Ser (NM_001354896.2, NM_001407447.1, NM_001407448.1 and 1 more transcripts); c.1553T>C, p.Leu518Ser (NM_001354897.2); c.1448T>C, p.Leu483Ser (NM_001354898.2); c.1439T>C, p.Leu480Ser (NM_001354899.2); c.1400T>C, p.Leu467Ser (NM_001354900.2); c.1346T>C, p.Leu449Ser (NM_001354901.2, NM_001407453.1); c.1250T>C, p.Leu417Ser (NM_001354902.2); and 11 more; short protein forms L382S, L467S, L480S, L483S, L518S, L225S, L407S, L498S.
Identifiers: ClinVar variation 2827084 (VCV002827084.3), dbSNP rs2149810176, ClinGen allele CA16024636.